The following is an entry in ClinVar:

ClinVar aggregate classification (germline): Uncertain significance. Review status: criteria provided, multiple submitters, no conflicts (2 of 4 stars). 4 submissions from 4 submitters: Uncertain significance (3). 1 of the submissions does not count toward it. Last evaluated 2024-11-05.

Conditions:
Retinal dystrophy. Also called: Inherited retinal dystrophy. Identifiers: Orphanet 71862, MedGen C0854723, MeSH D058499, MONDO:0019118, HP:0000556.

Allele frequency attached by ClinVar (database versions not stated): TOPMed 0.00002.
gnomAD v4.1: 4 of 1,612,164 alleles (0.00025%); highest among the groups gnomAD compares: African/African-American, 0.0013%; no homozygotes.

Submissions (4):

Labcorp Genetics (formerly Invitae), Labcorp
Classification: Uncertain significance. Last evaluated: 2024-11-05. Review status: criteria provided, single submitter. Criteria: Invitae Variant Classification Sherloc (09022015). Collection method: clinical testing. Allele origin: germline.
Comment: This sequence change replaces arginine, which is basic and polar, with proline, which is neutral and non-polar, at codon 90 of the CFAP410 protein (p.Arg90Pro). This variant is not present in population databases (gnomAD no frequency). This missense change has been observed in individual(s) with cone-rod dystrophy (PMID: 28041643). ClinVar contains an entry for this variant (Variation ID: 438158). Invitae Evidence Modeling of protein sequence and biophysical properties (such as structural, functional, and spatial information, amino acid conservation, physicochemical variation, residue mobility, and thermodynamic stability) indicates that this missense variant is expected to disrupt CFAP410 protein function with a positive predictive value of 80%. In summary, the available evidence is currently insufficient to determine the role of this variant in disease. Therefore, it has been classified as a Variant of Uncertain Significance.

Institute of Human Genetics, Univ. Regensburg, Univ. Regensburg
Classification: Uncertain significance for Retinal dystrophy. Last evaluated: 2023-01-01. Review status: criteria provided, single submitter. Criteria: ACMG Guidelines, 2015. Collection method: clinical testing. Allele origin: germline. Affected: yes.

GeneDx
Classification: Uncertain significance. Last evaluated: 2022-03-14. Review status: criteria provided, single submitter. Criteria: GeneDx Variant Classification Process June 2021. Collection method: clinical testing. Allele origin: germline. Affected: yes.
Comment: Not observed at significant frequency in large population cohorts (gnomAD); In silico analysis supports that this missense variant has a deleterious effect on protein structure/function; This variant is associated with the following publications: (PMID: 32581362, 28041643)

NIHR Bioresource Rare Diseases, University of Cambridge
Classification: Likely pathogenic for Retinal dystrophy. Last evaluated: 2015-01-01. Review status: no assertion criteria provided. Collection method: research. Allele origin: unknown. Affected: yes. Observed: 1 variant allele. Not counted in ClinVar's aggregate classification.

Literature cited by the submitters: PubMed 28041643 (cited by 3 submitters); PubMed 3258136 (cited by Institute of Human Genetics, Univ. Regensburg, Univ. Regensburg).

NM_004928.3(CFAP410):c.269G>C (p.Arg90Pro)

Gene: CFAP410 (cilia and flagella associated protein 410; minus strand). Cytogenetic location: 21q22.3.
Variant type: single nucleotide variant.
Coding change: c.269G>C on transcript NM_004928.3 (MANE Select); coding-DNA position 269, G replaced by C.
Protein change: p.Arg90Pro; replaces arginine 90 with proline.
Molecular consequence: missense variant.
Genome position (GRCh38, 1-based): chr21:44,333,137, C>G on the plus strand (G>C on the coding strand, the complement: CFAP410 is on the minus strand). VCF-style: chr21-44333137-C-G. GRCh37 (hg19) VCF-style: chr21-45753020-C-G.
Other names: c.269G>C, p.Arg90Pro (NM_001271440.2, NM_001271441.2); c.146G>C, p.Arg49Pro (NM_001271442.1); short protein forms R90P, R49P.
Identifiers: ClinVar variation 438158 (VCV000438158.9), dbSNP rs567435284, ClinGen allele CA321784857.